The following is an entry in ClinVar:

ClinVar aggregate classification (germline): Benign/Likely benign. Review status: criteria provided, multiple submitters, no conflicts (2 of 4 stars). 4 submissions from 3 submitters: Benign (2); Likely benign (2). Last evaluated 2021-05-19.

Conditions:
Isolated microphthalmia 2. Identifiers: Orphanet 2542, MedGen C1864720, MONDO:0012409, OMIM 610093.
Microphthalmia, isolated, with coloboma 3 (MCOPCB3). Also called: MICROPHTHALMIA/COLOBOMA 3; MICROPHTHALMIA, COLOBOMATOUS, 3. Identifiers: Orphanet 98938, MedGen C1864721, MONDO:0012408, OMIM 610092.

Allele frequency attached by ClinVar (database versions not stated): TOPMed 0.04994; gnomAD 0.06214 and 0.05998; 1000 Genomes Project 30x 0.02264; 1000 Genomes Project 0.02296; gnomAD exomes 0.09559.
gnomAD v4.1: 9,068 of 151,830 alleles (6%); highest among the groups gnomAD compares: Non-Finnish European, 8.9%; 411 homozygotes.

Submissions (4):

GeneDx
Classification: Benign. Last evaluated: 2021-05-19. Review status: criteria provided, single submitter. Criteria: GeneDx Variant Classification Process June 2021. Collection method: clinical testing. Allele origin: germline. Affected: yes.

Illumina Laboratory Services, Illumina
Classification: Benign for Isolated microphthalmia 2. Last evaluated: 2018-01-13. Review status: criteria provided, single submitter. Criteria: ICSL Variant Classification Criteria 13 December 2019. Collection method: clinical testing. Allele origin: germline.
Comment: This variant was observed in the ICSL laboratory as part of a predisposition screen in an ostensibly healthy population. It had not been previously curated by ICSL or reported in the Human Gene Mutation Database (HGMD: prior to June 1st, 2018), and was therefore a candidate for classification through an automated scoring system. Utilizing variant allele frequency, disease prevalence and penetrance estimates, and inheritance mode, an automated score was calculated to assess if this variant is too frequent to cause the disease. Based on the score and internal cut-off values, a variant classified as benign is not then subjected to further curation. The score for this variant resulted in a classification of benign for this disease.

Illumina Laboratory Services, Illumina
Classification: Likely benign for Microphthalmia, isolated, with coloboma 3. Last evaluated: 2018-01-13. Review status: criteria provided, single submitter. Criteria: ICSL Variant Classification Criteria 13 December 2019. Collection method: clinical testing. Allele origin: germline.
Comment: This variant was observed in the ICSL laboratory as part of a predisposition screen in an ostensibly healthy population. It had not been previously curated by ICSL or reported in the Human Gene Mutation Database (HGMD: prior to June 1st, 2018), and was therefore a candidate for classification through an automated scoring system. Utilizing variant allele frequency, disease prevalence and penetrance estimates, and inheritance mode, an automated score was calculated to assess if this variant is too frequent to cause the disease. Based on the score and internal cut-off values, a variant classified as likely benign is not then subjected to further curation. The score for this variant resulted in a classification of likely benign for this disease.

Breakthrough Genomics
Classification: Likely benign. Review status: criteria provided, single submitter. Criteria: ACMG Guidelines, 2015. Collection method: not provided. Allele origin: germline. Inheritance: Autosomal recessive inheritance. Affected: yes.

NM_182894.3(VSX2):c.*1074C>T

Gene: VSX2 (visual system homeobox 2; plus strand). Cytogenetic location: 14q24.3.
Variant type: single nucleotide variant.
Coding change: c.*1074C>T on transcript NM_182894.3 (MANE Select); 1074 bases downstream of the stop codon, C replaced by T.
Molecular consequence: 3 prime UTR variant.
Genome position (GRCh38, 1-based): chr14:74,261,993, C>T. VCF-style: chr14-74261993-C-T. GRCh37 (hg19) VCF-style: chr14-74728696-C-T.
Identifiers: ClinVar variation 314218 (VCV000314218.9), dbSNP rs34263984, ClinGen allele CA10640902.
Genomic context (GRCh38, chr14:74,261,993, plus strand): 5'-ACGAAGCCACAGGCCTGGCCTCAACTGAGAAGCCAAGCCTGGAGTAGGCCTGGGGCTATG[C>T]ATACGCATTAAGGGCCTGCTGGAGAAACCTTCACTCCAGACAGACAGGGGGCTAAGGGGC-3'